The following is an entry in ClinVar:

NM_016284.5(CNOT1):c.6844C>T (p.His2282Tyr)

Genes: CNOT1 (CCR4-NOT transcription complex subunit 1; minus strand), SETD6 (SET domain containing 6, protein lysine methyltransferase; plus strand). Cytogenetic location: 16q21.
Variant type: single nucleotide variant.
Coding change: c.6844C>T on transcript NM_016284.5 (MANE Select); coding-DNA position 6844, C replaced by T.
Protein change: p.His2282Tyr; replaces histidine 2282 with tyrosine.
Molecular consequence: missense variant. On other transcripts: non-coding transcript variant (1), 3 prime UTR variant (1).
Genome position (GRCh38, 1-based): chr16:58,523,443, G>A on the plus strand (C>T on the coding strand, the complement: CNOT1 is on the minus strand). VCF-style: chr16-58523443-G-A. GRCh37 (hg19) VCF-style: chr16-58557347-G-A.
Other names: c.6829C>T, p.His2277Tyr (NM_001265612.2); c.*4414G>A (NM_001160305.4); short protein forms H2277Y, H2282Y.
Identifiers: ClinVar variation 4975188 (VCV004975188.1).

ClinVar aggregate classification (germline): Uncertain significance (1 of 4 stars; one submission).

gnomAD v4.1: 2 of 1,613,964 alleles (0.00012%); highest among the groups gnomAD compares: African/African-American, 0.0027%; no homozygotes.

Submission:

GeneDx
Classification: Uncertain significance. Last evaluated: 2026-03-15. Review status: criteria provided, single submitter. Criteria: GeneDx Variant Classification Process June 2021. Collection method: clinical testing. Allele origin: germline.
Comment: Not observed at significant frequency in large population cohorts (gnomAD); In silico analysis supports that this missense variant has a deleterious effect on protein structure/function; Has not been previously published as pathogenic or benign to our knowledge